The following is an entry in ClinVar:

NM_152743.4(BRAT1):c.1741A>C (p.Thr581Pro)

Gene: BRAT1 (BRCA1 associated ATM activator 1; minus strand). Cytogenetic location: 7p22.3.
Variant type: single nucleotide variant.
Coding change: c.1741A>C on transcript NM_152743.4 (MANE Select); coding-DNA position 1741, A replaced by C.
Protein change: p.Thr581Pro; replaces threonine 581 with proline.
Molecular consequence: missense variant. On other transcripts: non-coding transcript variant (1).
Genome position (GRCh38, 1-based): chr7:2,539,208, T>G on the plus strand (A>C on the coding strand, the complement: BRAT1 is on the minus strand). VCF-style: chr7-2539208-T-G. GRCh37 (hg19) VCF-style: chr7-2578842-T-G.
Other names: c.1741A>C, p.Thr581Pro (NM_001350626.2); c.1216A>C, p.Thr406Pro (NM_001350627.2); short protein forms T406P, T581P.
Identifiers: ClinVar variation 1047282 (VCV001047282.9), dbSNP rs1164674493, ClinGen allele CA366626340.

ClinVar aggregate classification (germline): Uncertain significance (1 of 4 stars; one submission).

Conditions:
Neonatal-onset encephalopathy with rigidity and seizures. Also called: Lethal neonatal spasticity-epileptic encephalopathy syndrome. Identifiers: Orphanet 435845, MedGen C3281029, MONDO:0013784, OMIM 614498.

Allele frequency attached by ClinVar (database versions not stated): gnomAD exomes below 0.00001; gnomAD 0.00001 and 0.00003; TOPMed 0.00002.
gnomAD v4.1: 4 of 1,609,396 alleles (0.00025%); highest among the groups gnomAD compares: African/African-American, 0.004%; no homozygotes.

Submission:

Labcorp Genetics (formerly Invitae), Labcorp
Classification: Uncertain significance for Neonatal-onset encephalopathy with rigidity and seizures. Last evaluated: 2020-07-02. Review status: criteria provided, single submitter. Criteria: Invitae Variant Classification Sherloc (09022015). Collection method: clinical testing. Allele origin: germline.
Comment: In summary, the available evidence is currently insufficient to determine the role of this variant in disease. Therefore, it has been classified as a Variant of Uncertain Significance. Algorithms developed to predict the effect of missense changes on protein structure and function (SIFT, PolyPhen-2, Align-GVGD) all suggest that this variant is likely to be tolerated, but these predictions have not been confirmed by published functional studies and their clinical significance is uncertain. This variant has not been reported in the literature in individuals with BRAT1-related conditions. This variant is not present in population databases (ExAC no frequency). This sequence change replaces threonine with proline at codon 581 of the BRAT1 protein (p.Thr581Pro). The threonine residue is weakly conserved and there is a small physicochemical difference between threonine and proline.